The following is an entry in ClinVar:

NM_152722.5(HEPACAM):c.1221C>G (p.Asp407Glu)

Gene: HEPACAM (hepatic and glial cell adhesion molecule; minus strand). Cytogenetic location: 11q24.2.
Variant type: single nucleotide variant.
Coding change: c.1221C>G on transcript NM_152722.5 (MANE Select); coding-DNA position 1221, C replaced by G.
Protein change: p.Asp407Glu; replaces aspartic acid 407 with glutamic acid.
Molecular consequence: missense variant.
Genome position (GRCh38, 1-based): chr11:124,921,168, G>C on the plus strand (C>G on the coding strand, the complement: HEPACAM is on the minus strand). VCF-style: chr11-124921168-G-C. GRCh37 (hg19) VCF-style: chr11-124791064-G-C.
Other names: c.1377C>G, p.Asp459Glu (NM_001411043.1); c.1218C>G, p.Asp406Glu (NM_001441320.1); short protein forms D406E, D407E, D459E.
Identifiers: ClinVar variation 4085194 (VCV004085194.8).
Genomic context (GRCh38, chr11:124,921,168, plus strand): 5'-CGGGCGCCTCTCAGGGGATCCCGAGGCGGCTCAGGCGCTGATCTCCACCGGGCCGGCCTC[G>C]TCTTGCTCGCGGATTATGTGCACGCCCGCAGTCCGCAGTGTGCGCGAGGCGCTGCGCGAG-3'
Protein context (NP_689935.2, residues 397-416): TAGVHIIREQ[Asp407Glu]EAGPVEISA

ClinVar aggregate classification (germline): Uncertain significance (1 of 4 stars; one submission).

Submission:

CeGaT Center for Human Genetics Tuebingen
Classification: Uncertain significance. Last evaluated: 2025-06-01. Review status: criteria provided, single submitter. Criteria: CeGaT Center For Human Genetics Tuebingen Variant Classification Criteria Version 2. Collection method: clinical testing. Allele origin: germline. Affected: yes. Observed: 2 variant alleles.
Comment: HEPACAM: PM2